The following is an entry in ClinVar:

ClinVar aggregate classification (germline): Uncertain significance (1 of 4 stars; one submission).

Conditions:
Holoprosencephaly 5 (HPE5). Identifiers: Orphanet 2162, MedGen C1864827, MONDO:0012322, OMIM 609637.

Allele frequency attached by ClinVar (database versions not stated): gnomAD 0.00001.

Submission:

Labcorp Genetics (formerly Invitae), Labcorp
Classification: Uncertain significance for Holoprosencephaly 5. Last evaluated: 2023-06-09. Review status: criteria provided, single submitter. Criteria: Invitae Variant Classification Sherloc (09022015). Collection method: clinical testing. Allele origin: germline.
Comment: In summary, the available evidence is currently insufficient to determine the role of this variant in disease. Therefore, it has been classified as a Variant of Uncertain Significance. Advanced modeling of protein sequence and biophysical properties (such as structural, functional, and spatial information, amino acid conservation, physicochemical variation, residue mobility, and thermodynamic stability) performed at Invitae indicates that this missense variant is not expected to disrupt ZIC2 protein function. This variant has not been reported in the literature in individuals affected with ZIC2-related conditions. This variant is not present in population databases (gnomAD no frequency). This sequence change replaces histidine, which is basic and polar, with leucine, which is neutral and non-polar, at codon 169 of the ZIC2 protein (p.His169Leu).

NM_007129.5(ZIC2):c.506A>T (p.His169Leu)

Gene: ZIC2 (Zic family zinc finger 2; plus strand). Cytogenetic location: 13q32.3.
Variant type: single nucleotide variant.
Coding change: c.506A>T on transcript NM_007129.5 (MANE Select); coding-DNA position 506, A replaced by T.
Protein change: p.His169Leu; replaces histidine 169 with leucine.
Molecular consequence: missense variant.
Genome position (GRCh38, 1-based): chr13:99,982,570, A>T. VCF-style: chr13-99982570-A-T. GRCh37 (hg19) VCF-style: chr13-100634824-A-T.
Other names: short protein forms H169L.
Identifiers: ClinVar variation 2957601 (VCV002957601.3), dbSNP rs2053240898, ClinGen allele CA388637440.